The following is an entry in ClinVar:

ClinVar aggregate classification (germline): Likely pathogenic (1 of 4 stars; one submission).

Conditions:
Bifunctional peroxisomal enzyme deficiency (DBIF). Also called: PBFE DEFICIENCY; D-bifunctional protein deficiency; DBP DEFICIENCY. Identifiers: Orphanet 300, MedGen C0342870, MONDO:0009855, OMIM 261515. Disease mechanism: loss of function.

Submission:

Rady Children's Institute for Genomic Medicine, Rady Children's Hospital San Diego
Classification: Likely pathogenic for D-BIFUNCTIONAL PROTEIN DEFICIENCY. Last evaluated: 2020-09-04. Review status: criteria provided, single submitter. Criteria: ACMG Guidelines, 2015. Collection method: clinical testing. Allele origin: germline. Affected: yes.
Comment: This variant affects the canonical splice donor site of intron 5 and is therefore predicted to interfere with splicing and result in loss of normal protein function through either protein truncation or nonsense-mediated mRNA decay (NMD). This variant has not been previously reported or functionally characterized in the literature to our knowledge. It is absent from the gnomAD population database and thus is presumed to be rare. Based on the available evidence, the c.353_355+8delinsAACA variant is classified as Likely Pathogenic.

NM_000414.4(HSD17B4):c.280+1_280+3del

Gene: HSD17B4 (hydroxysteroid 17-beta dehydrogenase 4; plus strand). Cytogenetic location: 5q23.1.
Variant type: Deletion.
Coding change: c.280+1_280+3del on transcript NM_000414.4 (MANE Select); the canonical splice donor site of the intron after coding-DNA position 280 through 3 bases into the intron after coding-DNA position 280, 3 bases deleted (GTG; older notation c.280+1_280+3delGTG).
Molecular consequence: splice donor variant.
Genome position (GRCh38, 1-based): chr5:119,474,461-119,474,463, GTG deleted; deleting any 3 consecutive bases within chr5:119,474,460-119,474,463 gives the same sequence; the c. name uses the placement nearest the transcript's 3' end. VCF-style (leftmost placement, unchanged base first): chr5-119474459-AGGT-A. GRCh37 (hg19) VCF-style: chr5-118810154-AGGT-A.
Other names: c.-132+1_-132+3del (NM_001374503.1, NM_001374502.1, NM_001374501.1 and 1 more transcripts); c.355+1_355+3del (NM_001199291.3); c.-1+1_-1+3del (NM_001374499.1); c.-259+1_-259+3del (NM_001374500.1); c.208+1_208+3del (NM_001292027.2); c.280+1_280+3del (NM_001374498.1, NM_001374497.1); c.226+1_226+3del (NM_001199292.2).
Identifiers: ClinVar variation 1301881 (VCV001301881.1), dbSNP rs2126684546, ClinGen allele CA2573052395.